The following is an entry in ClinVar:

ClinVar aggregate classification (germline): Likely pathogenic (1 of 4 stars; one submission).

Conditions:
MPDU1-congenital disorder of glycosylation. Also called: CONGENITAL DISORDER OF GLYCOSYLATION, TYPE If; CDG If; MPDU1-CDG. Identifiers: Orphanet 79323, MedGen C1836669, MONDO:0012211, OMIM 609180.

Submission:

3billion
Classification: Likely pathogenic for MPDU1-congenital disorder of glycosylation. Last evaluated: 2022-01-03. Review status: criteria provided, single submitter. Criteria: ACMG Guidelines, 2015. Collection method: clinical testing. Allele origin: germline. Affected: yes. Observed: 1 homozygote.
Comment: Frameshift: predicted to result in a loss or disruption of normal protein function through nonsense-mediated decay (NMD) or protein truncation. Multiple pathogenic variants are reported downstream of the variant (PVS1_VS). It is not observed in the gnomAD v2.1.1 dataset (PM2_M). Therefore, this variant is classified as likely pathogenic according to the recommendation of ACMG/AMP guideline.

NM_004870.4(MPDU1):c.69del (p.Cys22_Tyr23insTer)

Genes: MPDU1-AS1 (MPDU1 antisense RNA 1; minus strand), MPDU1 (mannose-P-dolichol utilization defect 1; plus strand). Cytogenetic location: 17p13.1.
Variant type: Deletion.
Coding change: c.69del on transcript NM_004870.4 (MANE Select); coding-DNA position 69, one base deleted (C; older notation c.69delC).
Protein change: p.Cys22_Tyr23insTer.
Molecular consequence: nonsense. On other transcripts: non-coding transcript variant (3).
Genome position (GRCh38, 1-based): chr17:7,583,931, C deleted. VCF-style (leftmost placement, unchanged base first): chr17-7583930-AC-A. GRCh37 (hg19) VCF-style: chr17-7487248-AC-A.
Other names: c.69del, p.Cys22_Tyr23insTer (NM_001330073.1).
Identifiers: ClinVar variation 1333683 (VCV001333683.1), dbSNP rs2150933483, ClinGen allele CA2573054580.
Genomic context (GRCh38, chr17:7,583,930, plus strand): 5'-CCGAGGCGGACGGACCGCTTAAACGGCTGCTCGTGCCGATTCTTTTACCTGAGAAATGCT[AC>A]GACCAACTTTTCGTTCAGTGGGACTTGCTTCACGGTGAGTTTTATTCAGCATCCGATCCA-3'